The following is an entry in ClinVar:

ClinVar aggregate classification (germline): Uncertain significance. Review status: criteria provided, multiple submitters, no conflicts (2 of 4 stars). 2 submissions from 2 submitters: Uncertain significance (2). Last evaluated 2025-02-16.

gnomAD v4.1: 37 of 1,614,084 alleles (0.0023%); highest among the groups gnomAD compares: African/African-American, 0.036%; no homozygotes.

Submissions (2):

Labcorp Genetics (formerly Invitae), Labcorp
Classification: Uncertain significance. Last evaluated: 2025-02-16. Review status: criteria provided, single submitter. Criteria: Invitae Variant Classification Sherloc (09022015). Collection method: clinical testing. Allele origin: germline.
Comment: This sequence change replaces aspartic acid, which is acidic and polar, with tyrosine, which is neutral and polar, at codon 715 of the DHX32 protein (p.Asp715Tyr). This variant is present in population databases (rs531809485, gnomAD 0.03%). This variant has not been reported in the literature in individuals affected with DHX32-related conditions. ClinVar contains an entry for this variant (Variation ID: 1446057). An algorithm developed to predict the effect of missense changes on protein structure and function (PolyPhen-2) suggests that this variant is likely to be tolerated. Algorithms developed to predict the effect of sequence changes on RNA splicing suggest that this variant may disrupt the consensus splice site. In summary, the available evidence is currently insufficient to determine the role of this variant in disease. Therefore, it has been classified as a Variant of Uncertain Significance.

Ambry Genetics
Classification: Uncertain significance. Last evaluated: 2023-03-20. Review status: criteria provided, single submitter. Criteria: Ambry Variant Classification Scheme 2023. Collection method: clinical testing. Allele origin: germline.

NM_018180.3(DHX32):c.2143G>T (p.Asp715Tyr)

Genes: BCCIP (BRCA2 and CDKN1A interacting protein; plus strand), DHX32 (DEAH-box helicase 32 (putative); minus strand). Cytogenetic location: 10q26.2.
Variant type: single nucleotide variant.
Coding change: c.2143G>T on transcript NM_018180.3 (MANE Select); coding-DNA position 2143, G replaced by T.
Protein change: p.Asp715Tyr; replaces aspartic acid 715 with tyrosine.
Molecular consequence: missense variant. On other transcripts: intron variant (2).
Genome position (GRCh38, 1-based): chr10:125,836,776, C>A on the plus strand (G>T on the coding strand, the complement: DHX32 is on the minus strand). VCF-style: chr10-125836776-C-A. GRCh37 (hg19) VCF-style: chr10-127525345-C-A.
Other names: c.774+2830C>A (NM_016567.4, NM_078469.3); short protein forms D715Y.
Identifiers: ClinVar variation 1446057 (VCV001446057.8), dbSNP rs531809485, ClinGen allele CA5738953.